The following is an entry in ClinVar:

NM_001271938.2(MEGF8):c.6432G>C (p.Gln2144His)

Gene: MEGF8 (multiple EGF like domains 8; plus strand). Cytogenetic location: 19q13.2.
Variant type: single nucleotide variant.
Coding change: c.6432G>C on transcript NM_001271938.2 (MANE Select); coding-DNA position 6432, G replaced by C.
Protein change: p.Gln2144His; replaces glutamine 2144 with histidine.
Molecular consequence: missense variant.
Genome position (GRCh38, 1-based): chr19:42,368,613, G>C. VCF-style: chr19-42368613-G-C. GRCh37 (hg19) VCF-style: chr19-42872765-G-C.
Other names: c.6231G>C, p.Gln2077His (NM_001410.3); short protein forms Q2144H, Q2077H.
Identifiers: ClinVar variation 2694150 (VCV002694150.3), dbSNP rs1037202811, ClinGen allele CA308650854.

ClinVar aggregate classification (germline): Uncertain significance (1 of 4 stars; one submission).

Conditions:
MEGF8-related Carpenter syndrome. Also called: Carpenter syndrome 2. Identifiers: Orphanet 65759, MedGen C3554247, MONDO:0013998, OMIM 614976.

Allele frequency attached by ClinVar (database versions not stated): gnomAD exomes 0.00001; TOPMed 0.00005; gnomAD 0.00006.
gnomAD v4.1: 17 of 1,568,698 alleles (0.0011%); highest among the groups gnomAD compares: African/African-American, 0.023%; no homozygotes.

Submission:

Labcorp Genetics (formerly Invitae), Labcorp
Classification: Uncertain significance for MEGF8-related Carpenter syndrome. Last evaluated: 2023-04-09. Review status: criteria provided, single submitter. Criteria: Invitae Variant Classification Sherloc (09022015). Collection method: clinical testing. Allele origin: germline.
Comment: In summary, the available evidence is currently insufficient to determine the role of this variant in disease. Therefore, it has been classified as a Variant of Uncertain Significance. An algorithm developed to predict the effect of missense changes on protein structure and function (PolyPhen-2) suggests that this variant is likely to be disruptive. This variant has not been reported in the literature in individuals affected with MEGF8-related conditions. This variant is present in population databases (no rsID available, gnomAD 0.03%). This sequence change replaces glutamine, which is neutral and polar, with histidine, which is basic and polar, at codon 2077 of the MEGF8 protein (p.Gln2077His).